The following is an entry in ClinVar:

NM_018051.5(DYNC2I1):c.1633C>G (p.Gln545Glu)

Gene: DYNC2I1 (dynein 2 intermediate chain 1; plus strand). Cytogenetic location: 7q36.3.
Variant type: single nucleotide variant.
Coding change: c.1633C>G on transcript NM_018051.5 (MANE Select); coding-DNA position 1633, C replaced by G.
Protein change: p.Gln545Glu; replaces glutamine 545 with glutamic acid.
Molecular consequence: missense variant.
Genome position (GRCh38, 1-based): chr7:158,913,027, C>G. VCF-style: chr7-158913027-C-G. GRCh37 (hg19) VCF-style: chr7-158705718-C-G.
Other names: c.1495C>G, p.Gln499Glu (NM_001350914.2); c.1060C>G, p.Gln354Glu (NM_001350915.2); c.172C>G, p.Gln58Glu (NM_001350916.2); c.385C>G, p.Gln129Glu (NM_001350917.2, NM_001350918.2); short protein forms Q499E, Q129E, Q58E, Q354E, Q545E.
Identifiers: ClinVar variation 2767992 (VCV002767992.3), dbSNP rs773899470, ClinGen allele CA4594703.
Genomic context (GRCh38, chr7:158,913,027, plus strand): 5'-CATATTTTTGTTTTTAAGGCATATGTTCAGTGTAACGAAGATAATGTTGAAAGAGACATT[C>G]AAACGGAGGAAATAGAGACCAGGGAAGTGTGGACCCAGCACCCGGGAGAAAGTACTGTTG-3'
Protein context (NP_060521.4, residues 535-555): CNEDNVERDI[Gln545Glu]TEEIETREVW

ClinVar aggregate classification (germline): Uncertain significance (1 of 4 stars; one submission).

Conditions:
Short-rib thoracic dysplasia 8 with or without polydactyly (SRTD8). Also called: SHORT-RIB THORACIC DYSPLASIA 8 WITH POLYDACTYLY. Identifiers: Orphanet 93271, MedGen C3809691, MONDO:0014214, OMIM 615503.

Allele frequency attached by ClinVar (database versions not stated): gnomAD 0.00001; TOPMed 0.00001; gnomAD exomes 0.00003; ExAC 0.00004.
gnomAD v4.1: 19 of 1,613,326 alleles (0.0012%); highest among the groups gnomAD compares: Non-Finnish European, 0.0016%; no homozygotes.

Submission:

Labcorp Genetics (formerly Invitae), Labcorp
Classification: Uncertain significance for Short-rib thoracic dysplasia 8 with or without polydactyly. Last evaluated: 2023-03-08. Review status: criteria provided, single submitter. Criteria: Invitae Variant Classification Sherloc (09022015). Collection method: clinical testing. Allele origin: germline.
Comment: In summary, the available evidence is currently insufficient to determine the role of this variant in disease. Therefore, it has been classified as a Variant of Uncertain Significance. This sequence change replaces glutamine, which is neutral and polar, with glutamic acid, which is acidic and polar, at codon 545 of the WDR60 protein (p.Gln545Glu). This variant is present in population databases (rs773899470, gnomAD 0.006%). This variant has not been reported in the literature in individuals affected with WDR60-related conditions. An algorithm developed to predict the effect of missense changes on protein structure and function (PolyPhen-2) suggests that this variant is likely to be tolerated.